The following is an entry in ClinVar:

ClinVar aggregate classification (germline): Uncertain significance. Review status: criteria provided, multiple submitters, no conflicts (2 of 4 stars). 3 submissions from 3 submitters: Uncertain significance (3). Last evaluated 2025-12-16.

Conditions:
Autosomal recessive limb-girdle muscular dystrophy type 2L (LGMDR12). Also called: Limb-girdle muscular dystrophy, type 2L; MUSCULAR DYSTROPHY, LIMB-GIRDLE, AUTOSOMAL RECESSIVE 12; Limb-Girdle Muscular Dystrophy R12 Anoctamin-5-Related (LGMD-R12). Identifiers: Orphanet 206549, MedGen C1969785, MONDO:0012652, OMIM 611307.
Gnathodiaphyseal dysplasia (GDD). Also called: OSTEOGENESIS IMPERFECTA WITH UNUSUAL SKELETAL LESIONS; GNATHODIAPHYSEAL SCLEROSIS. Identifiers: Orphanet 53697, MedGen C1833736, MONDO:0008151, OMIM 166260.

Allele frequency attached by ClinVar (database versions not stated): ESP Exome Variant Server 0.00015; gnomAD exomes below 0.00001; ExAC 0.00001; gnomAD 0.00003 and 0.00004; TOPMed 0.00003.

Submissions (3):

Labcorp Genetics (formerly Invitae), Labcorp
Classification: Uncertain significance for Autosomal recessive limb-girdle muscular dystrophy type 2L; Gnathodiaphyseal dysplasia. Last evaluated: 2025-12-16. Review status: criteria provided, single submitter. Criteria: Invitae Variant Classification Sherloc (09022015). Collection method: clinical testing. Allele origin: germline.
Comment: This sequence change replaces tryptophan, which is neutral and slightly polar, with arginine, which is basic and polar, at codon 401 of the ANO5 protein (p.Trp401Arg). This variant is present in population databases (rs149656183, gnomAD 0.007%). This variant has not been reported in the literature in individuals affected with ANO5-related conditions. ClinVar contains an entry for this variant (Variation ID: 1035335). Invitae Evidence Modeling of protein sequence and biophysical properties (such as structural, functional, and spatial information, amino acid conservation, physicochemical variation, residue mobility, and thermodynamic stability) indicates that this missense variant is expected to disrupt ANO5 protein function with a positive predictive value of 95%. In summary, the available evidence is currently insufficient to determine the role of this variant in disease. Therefore, it has been classified as a Variant of Uncertain Significance.

Revvity Omics, Revvity
Classification: Uncertain significance. Last evaluated: 2025-05-02. Review status: criteria provided, single submitter. Criteria: ACMG Guidelines, 2015. Collection method: clinical testing. Allele origin: germline.

GeneDx
Classification: Uncertain significance. Last evaluated: 2023-12-04. Review status: criteria provided, single submitter. Criteria: GeneDx Variant Classification Process June 2021. Collection method: clinical testing. Allele origin: germline. Affected: yes.
Comment: Not observed at significant frequency in large population cohorts (gnomAD); In silico analysis supports that this missense variant has a deleterious effect on protein structure/function; Has not been previously published as pathogenic or benign to our knowledge

NM_213599.3(ANO5):c.1201T>C (p.Trp401Arg)

Gene: ANO5 (anoctamin 5; plus strand). Cytogenetic location: 11p14.3.
Variant type: single nucleotide variant.
Coding change: c.1201T>C on transcript NM_213599.3 (MANE Select); coding-DNA position 1201, T replaced by C.
Protein change: p.Trp401Arg; replaces tryptophan 401 with arginine.
Molecular consequence: missense variant.
Genome position (GRCh38, 1-based): chr11:22,255,391, T>C. VCF-style: chr11-22255391-T-C. GRCh37 (hg19) VCF-style: chr11-22276937-T-C.
Other names: c.1198T>C, p.Trp400Arg (NM_001142649.2); c.1201T>C (NM_213599.2); short protein forms W400R, W401R.
Identifiers: ClinVar variation 1035335 (VCV001035335.11), dbSNP rs149656183, ClinGen allele CA5923179.
Genomic context (GRCh38, chr11:22,255,391, plus strand): 5'-TTTTTTAATATCTTTTTTTTATATATTTATTTACCTATAGTCACCTTATTTTTGGAGTTT[T>C]GGAAACAACGACAAGCCAGACTGGAATATGAATGGGACCTGGTGGACTTTGAAGAGGAAC-3'
Protein context (NP_998764.1, residues 391-411): GIWVTLFLEF[Trp401Arg]KQRQARLEYE